The following is an entry in ClinVar:

NM_004655.4(AXIN2):c.2014A>G (p.Thr672Ala)

Gene: AXIN2 (axin 2; minus strand). Cytogenetic location: 17q24.1.
Variant type: single nucleotide variant.
Coding change: c.2014A>G on transcript NM_004655.4 (MANE Select); coding-DNA position 2014, A replaced by G.
Protein change: p.Thr672Ala; replaces threonine 672 with alanine.
Molecular consequence: missense variant.
Genome position (GRCh38, 1-based): chr17:65,536,447, T>C on the plus strand (A>G on the coding strand, the complement: AXIN2 is on the minus strand). VCF-style: chr17-65536447-T-C. GRCh37 (hg19) VCF-style: chr17-63532565-T-C.
Other names: c.1819A>G, p.Thr607Ala (NM_001363813.1); short protein forms T607A, T672A.
Identifiers: ClinVar variation 3335084 (VCV003335084.3).

ClinVar aggregate classification (germline): Conflicting classifications of pathogenicity. Review status: criteria provided, conflicting classifications (1 of 4 stars). 2 submissions from 2 submitters: Uncertain significance (1); Likely benign (1). Last evaluated 2024-06-04.

Conditions:
Oligodontia-cancer predisposition syndrome. Also called: TOOTH AGENESIS-COLORECTAL CANCER SYNDROME. Identifiers: Orphanet 300576, MedGen C1837750, MONDO:0012075, OMIM 608615. Disease mechanism: loss of function.
Hereditary cancer-predisposing syndrome. Also called: Neoplastic Syndromes, Hereditary; Tumor predisposition; Hereditary neoplastic syndrome; Hereditary Cancer Syndrome. Identifiers: Orphanet 140162, MedGen C0027672, MeSH D009386, MONDO:0015356.

gnomAD v4.1: 3 of 1,601,218 alleles (0.00019%); highest among the groups gnomAD compares: African/African-American, 0.0047%; no homozygotes.

Submissions (2):

Labcorp Genetics (formerly Invitae), Labcorp
Classification: Uncertain significance for Oligodontia-cancer predisposition syndrome. Last evaluated: 2024-06-04. Review status: criteria provided, single submitter. Criteria: Invitae Variant Classification Sherloc (09022015). Collection method: clinical testing. Allele origin: germline.
Comment: This sequence change replaces threonine, which is neutral and polar, with alanine, which is neutral and non-polar, at codon 672 of the AXIN2 protein (p.Thr672Ala). This variant is present in population databases (no rsID available, gnomAD 0.01%). This variant has not been reported in the literature in individuals affected with AXIN2-related conditions. Advanced modeling of protein sequence and biophysical properties (such as structural, functional, and spatial information, amino acid conservation, physicochemical variation, residue mobility, and thermodynamic stability) performed at Invitae indicates that this missense variant is not expected to disrupt AXIN2 protein function with a negative predictive value of 80%. In summary, the available evidence is currently insufficient to determine the role of this variant in disease. Therefore, it has been classified as a Variant of Uncertain Significance.

Ambry Genetics
Classification: Likely benign for Hereditary cancer-predisposing syndrome. Last evaluated: 2024-05-02. Review status: criteria provided, single submitter. Criteria: Ambry Variant Classification Scheme 2023. Collection method: clinical testing. Allele origin: germline.